The following is an entry in ClinVar:

NM_001042492.3(NF1):c.5272_5273dup (p.Ser1759fs)

Gene: NF1 (neurofibromin 1; plus strand). Cytogenetic location: 17q11.2.
Variant type: Duplication.
Coding change: c.5272_5273dup on transcript NM_001042492.3 (MANE Select); coding-DNA positions 5272 to 5273, 2 bases duplicated (GG; older notation c.5272_5273dupGG).
Protein change: p.Ser1759fs; shifts the reading frame from serine 1759.
Molecular consequence: frameshift variant.
Genome position (GRCh38, 1-based): chr17:31,327,502-31,327,503, GG duplicated. VCF-style (leftmost placement, unchanged base first): chr17-31327501-T-TGG. GRCh37 (hg19) VCF-style: chr17-29654519-T-TGG.
Other names: c.5209_5210dup, p.Ser1738Valfs (NM_000267.4); short protein forms S1759fs, S1738fs.
Identifiers: ClinVar variation 2131894 (VCV002131894.4), dbSNP rs2151540771, ClinGen allele CA2580093074.

ClinVar aggregate classification (germline): Pathogenic (1 of 4 stars; one submission).

Conditions:
Neurofibromatosis, type 1 (NF1). Also called: Peripheral type neurofibromatosis; NEUROFIBROMATOSIS, TYPE I, SOMATIC; Neurofibromatosis, type I; VON RECKLINGHAUSEN DISEASE. Identifiers: Orphanet 636, MedGen C0027831, MONDO:0018975, OMIM 162200. Disease mechanism: loss of function.

Submission:

Labcorp Genetics (formerly Invitae), Labcorp
Classification: Pathogenic for Neurofibromatosis, type 1. Last evaluated: 2022-05-15. Review status: criteria provided, single submitter. Criteria: Invitae Variant Classification Sherloc (09022015). Collection method: clinical testing. Allele origin: germline.
Comment: For these reasons, this variant has been classified as Pathogenic. This variant has not been reported in the literature in individuals affected with NF1-related conditions. This variant is not present in population databases (gnomAD no frequency). This sequence change creates a premature translational stop signal (p.Ser1738Valfs*7) in the NF1 gene. It is expected to result in an absent or disrupted protein product. Loss-of-function variants in NF1 are known to be pathogenic (PMID: 10712197, 23913538).

Literature cited by the submitters: PubMed 10712197; PubMed 23913538.